The following is an entry in ClinVar:

ClinVar aggregate classification (germline): Uncertain significance. Review status: criteria provided, multiple submitters, no conflicts (2 of 4 stars). 2 submissions from 2 submitters: Uncertain significance (2). Last evaluated 2024-12-13.

Conditions:
Inborn genetic diseases. Identifiers: MedGen C0950123, MeSH D030342.

Allele frequency attached by ClinVar (database versions not stated): gnomAD 0.00001; ExAC 0.00003; TOPMed 0.00003; gnomAD exomes 0.00010.
gnomAD v4.1: 141 of 1,612,782 alleles (0.0087%); highest among the groups gnomAD compares: Non-Finnish European, 0.012%; no homozygotes.

Submissions (2):

Labcorp Genetics (formerly Invitae), Labcorp
Classification: Uncertain significance. Last evaluated: 2024-12-13. Review status: criteria provided, single submitter. Criteria: Invitae Variant Classification Sherloc (09022015). Collection method: clinical testing. Allele origin: germline.
Comment: This sequence change replaces proline, which is neutral and non-polar, with leucine, which is neutral and non-polar, at codon 938 of the GUCY2C protein (p.Pro938Leu). This variant is present in population databases (rs780662599, gnomAD 0.004%). This variant has not been reported in the literature in individuals affected with GUCY2C-related conditions. ClinVar contains an entry for this variant (Variation ID: 2414801). Invitae Evidence Modeling of protein sequence and biophysical properties (such as structural, functional, and spatial information, amino acid conservation, physicochemical variation, residue mobility, and thermodynamic stability) indicates that this missense variant is expected to disrupt GUCY2C protein function with a positive predictive value of 80%. In summary, the available evidence is currently insufficient to determine the role of this variant in disease. Therefore, it has been classified as a Variant of Uncertain Significance.

Ambry Genetics
Classification: Uncertain significance for Inborn genetic diseases. Last evaluated: 2024-02-13. Review status: criteria provided, single submitter. Criteria: Ambry Variant Classification Scheme 2023. Collection method: clinical testing. Allele origin: germline.

NM_004963.4(GUCY2C):c.2813C>T (p.Pro938Leu)

Genes: GUCY2C (guanylate cyclase 2C; minus strand), PLBD1-AS1 (PLBD1 antisense RNA 1; plus strand). Cytogenetic location: 12p12.3.
Variant type: single nucleotide variant.
Coding change: c.2813C>T on transcript NM_004963.4 (MANE Select); coding-DNA position 2813, C replaced by T.
Protein change: p.Pro938Leu; replaces proline 938 with leucine.
Molecular consequence: missense variant. On other transcripts: non-coding transcript variant (1).
Genome position (GRCh38, 1-based): chr12:14,619,273, G>A on the plus strand (C>T on the coding strand, the complement: GUCY2C is on the minus strand). VCF-style: chr12-14619273-G-A. GRCh37 (hg19) VCF-style: chr12-14772207-G-A.
Other names: c.2813C>T (NM_004963.3); short protein forms P938L.
Identifiers: ClinVar variation 2414801 (VCV002414801.7), dbSNP rs780662599, ClinGen allele CA6462971.
Genomic context (GRCh38, chr12:14,619,273, plus strand): 5'-AGGCCAGTGGATTCCATCCTAGAGGCTGTGTTGACCGTATCTCCAAATAGACAATAACGA[G>A]GCATCTTGATTCCCACAACTCCAGCAGCACAGGGACCTGAAATGAAGGACAGAAAGCAGG-3'
Protein context (NP_004954.2, residues 928-948): CAAGVVGIKM[Pro938Leu]RYCLFGDTVN